The following is an entry in ClinVar:

ClinVar aggregate classification (germline): Uncertain significance. Review status: criteria provided, multiple submitters, no conflicts (2 of 4 stars). 2 submissions from 2 submitters: Uncertain significance (2). Last evaluated 2026-08-22.

Conditions:
Dyskeratosis congenita. Identifiers: Orphanet 1775, MedGen C0265965, MONDO:0015780.

Submissions (2):

Ambry Genetics
Classification: Uncertain significance for Dyskeratosis congenita. Last evaluated: 2026-08-22. Review status: criteria provided, single submitter. Criteria: Ambry Variant Classification Scheme 2023. Collection method: clinical testing. Allele origin: germline.
Comment: The p.L769F variant (also known as c.2305C>T), located in coding exon 7 of the TERT gene, results from a C to T substitution at nucleotide position 2305. The leucine at codon 769 is replaced by phenylalanine, an amino acid with highly similar properties. This amino acid position is conserved. In addition, the in silico prediction for this alteration is inconclusive. Based on the available evidence, the clinical significance of this variant remains unclear.

Genetic Services Laboratory, University of Chicago
Classification: Uncertain significance. Last evaluated: 2017-07-05. Review status: criteria provided, single submitter. Criteria: ACMG Guidelines, 2015. Collection method: clinical testing. Allele origin: germline. Affected: no.

NM_198253.3(TERT):c.2305C>T (p.Leu769Phe)

Gene: TERT (telomerase reverse transcriptase; minus strand). Cytogenetic location: 5p15.33.
Variant type: single nucleotide variant.
Coding change: c.2305C>T on transcript NM_198253.3 (MANE Select); coding-DNA position 2305, C replaced by T.
Protein change: p.Leu769Phe; replaces leucine 769 with phenylalanine.
Molecular consequence: missense variant.
Genome position (GRCh38, 1-based): chr5:1,272,262, G>A on the plus strand (C>T on the coding strand, the complement: TERT is on the minus strand). VCF-style: chr5-1272262-G-A. GRCh37 (hg19) VCF-style: chr5-1272377-G-A.
Other names: c.2305C>T, p.Leu769Phe (NM_001193376.3); short protein forms L769F.
Identifiers: ClinVar variation 1338223 (VCV001338223.5), dbSNP rs2126617945, ClinGen allele CA359076455.
Genomic context (GRCh38, chr5:1,272,262, plus strand): 5'-CATCCCTCAGCGGGCTGGTCTCCTGCAGGTGAGCCACGAACTGTCGCATGTACGGCTGGA[G>A]GTCTGTCAAGGTAGAGACCTGCCGGCAGAGGAGAGGGCATGAGCCACAAATGTGGCCTGC-3'
Protein context (NP_937983.2, residues 759-779): FKSHVSTLTD[Leu769Phe]QPYMRQFVAH